The following is an entry in ClinVar:

NM_016373.4(WWOX):c.499C>T (p.Arg167Cys)

Gene: WWOX (WW domain containing oxidoreductase; plus strand). Cytogenetic location: 16q23.1.
Variant type: single nucleotide variant.
Coding change: c.499C>T on transcript NM_016373.4 (MANE Select); coding-DNA position 499, C replaced by T.
Protein change: p.Arg167Cys; replaces arginine 167 with cysteine.
Molecular consequence: missense variant. On other transcripts: non-coding transcript variant (1).
Genome position (GRCh38, 1-based): chr16:78,164,272, C>T. VCF-style: chr16-78164272-C-T. GRCh37 (hg19) VCF-style: chr16-78198169-C-T.
Other names: c.160C>T, p.Arg54Cys (NM_001291997.2); c.499C>T, p.Arg167Cys (NM_130791.5); short protein forms R167C, R54C.
Identifiers: ClinVar variation 432543 (VCV000432543.18), dbSNP rs201228765, ClinGen allele CA8183230.

ClinVar aggregate classification (germline): Uncertain significance. Review status: criteria provided, multiple submitters, no conflicts (2 of 4 stars). 6 submissions from 6 submitters: Uncertain significance (6). Last evaluated 2026-06-12.

Conditions:
Developmental and epileptic encephalopathy, 1 (DEE1). Also called: X-linked infantile spasms; West's syndrome; Tonic spasms with clustering, arrest of psychomotor development and hypsarrhythmia on EEG; X-Linked Infantile Spasm Syndrome; INFANTILE SPASM SYNDROME, X-LINKED 1; OHTAHARA SYNDROME, X-LINKED. Identifiers: MedGen C3463992, MONDO:0010632, OMIM 308350. Disease mechanism: loss of function.
Autosomal recessive spinocerebellar ataxia 12. Also called: SPINOCEREBELLAR ATAXIA WITH MENTAL RETARDATION AND EPILEPSY. Identifiers: Orphanet 284282, MedGen C3280452, MONDO:0013687, OMIM 614322.
Developmental and epileptic encephalopathy, 28 (DEE28). Also called: Epileptic encephalopathy, early infantile, 28. Identifiers: Orphanet 442835, MedGen C4015519, MONDO:0014533, OMIM 616211.
Inborn genetic diseases. Identifiers: MedGen C0950123, MeSH D030342.

Allele frequency attached by ClinVar (database versions not stated): ExAC 0.00011; gnomAD 0.00013 and 0.00014; gnomAD exomes 0.00008 and 0.00006; ESP Exome Variant Server 0.00016; TOPMed 0.00019.
gnomAD v4.1: 100 of 1,613,892 alleles (0.0062%); highest among the groups gnomAD compares: African/African-American, 0.049%; no homozygotes.

Submissions (6):

Ambry Genetics
Classification: Uncertain significance for Inborn genetic diseases. Last evaluated: 2026-06-12. Review status: criteria provided, single submitter. Criteria: Ambry Variant Classification Scheme 2023. Collection method: clinical testing. Allele origin: germline.
Comment: The c.499C>T (p.R167C) alteration is located in exon 5 (coding exon 5) of the WWOX gene. This alteration results from a C to T substitution at nucleotide position 499, causing the arginine (R) at amino acid position 167 to be replaced by a cysteine (C). Based on data from gnomAD, the T allele has an overall frequency of 0.009% (25/280694) total alleles studied. The highest observed frequency was 0.05% (12/24192) of African alleles. Based on insufficient or conflicting evidence, the clinical significance of this alteration remains unclear.

GeneDx
Classification: Uncertain significance. Last evaluated: 2024-03-26. Review status: criteria provided, single submitter. Criteria: GeneDx Variant Classification Process June 2021. Collection method: clinical testing. Allele origin: germline. Affected: yes.
Comment: In silico analysis supports that this missense variant has a deleterious effect on protein structure/function; Has not been previously published as pathogenic or benign to our knowledge; This variant is associated with the following publications: (PMID: 25411445)

Labcorp Genetics (formerly Invitae), Labcorp
Classification: Uncertain significance for Developmental and epileptic encephalopathy, 1; Autosomal recessive spinocerebellar ataxia 12. Last evaluated: 2022-09-06. Review status: criteria provided, single submitter. Criteria: Invitae Variant Classification Sherloc (09022015). Collection method: clinical testing. Allele origin: germline.
Comment: This sequence change replaces arginine, which is basic and polar, with cysteine, which is neutral and slightly polar, at codon 167 of the WWOX protein (p.Arg167Cys). This variant is present in population databases (rs201228765, gnomAD 0.05%). This variant has not been reported in the literature in individuals affected with WWOX-related conditions. ClinVar contains an entry for this variant (Variation ID: 432543). Algorithms developed to predict the effect of missense changes on protein structure and function are either unavailable or do not agree on the potential impact of this missense change (SIFT: "Not Available"; PolyPhen-2: "Possibly Damaging"; Align-GVGD: "Not Available"). In summary, the available evidence is currently insufficient to determine the role of this variant in disease. Therefore, it has been classified as a Variant of Uncertain Significance.

CENTOGENE GmbH and LLC - Guiding Precision Medicine
Classification: Uncertain significance for Developmental and epileptic encephalopathy, 28. Last evaluated: 2021-05-25. Review status: criteria provided, single submitter. Criteria: ACMG Guidelines, 2015. Collection method: clinical testing. Allele origin: paternal. Affected: yes.

Mayo Clinic Laboratories, Mayo Clinic
Classification: Uncertain significance. Last evaluated: 2019-10-09. Review status: criteria provided, single submitter. Criteria: ACMG Guidelines, 2015. Collection method: clinical testing. Allele origin: germline. Observed: 1 variant allele.

Breakthrough Genomics
Classification: Uncertain significance. Review status: criteria provided, single submitter. Criteria: ACMG Guidelines, 2015. Collection method: not provided. Allele origin: germline. Inheritance: Autosomal recessive inheritance. Affected: yes.